The following is an entry in ClinVar:

NM_002490.6(NDUFA6):c.378C>T (p.His126=)

Gene: NDUFA6 (NADH:ubiquinone oxidoreductase subunit A6; minus strand). Cytogenetic location: 22q13.2.
Variant type: single nucleotide variant.
Coding change: c.378C>T on transcript NM_002490.6 (MANE Select); coding-DNA position 378, C replaced by T.
Protein change: p.His126=; no amino-acid change (histidine 126 retained).
Molecular consequence: synonymous variant.
Genome position (GRCh38, 1-based): chr22:42,086,192, G>A on the plus strand (C>T on the coding strand, the complement: NDUFA6 is on the minus strand). VCF-style: chr22-42086192-G-A. GRCh37 (hg19) VCF-style: chr22-42482196-G-A.
Other names: c.456C>T (NM_002490.4).
Identifiers: ClinVar variation 1298897 (VCV001298897.42), dbSNP rs150607291, ClinGen allele CA10264308.
Genomic context (GRCh38, chr22:42,086,192, plus strand): 5'-TTTATTTGTGCTCTAAAATAGTATCAACGTGCATCTTTCCACTGAATGACTTCATGGATC[G>A]TGGCCAACATAGAACTTGGATAGGAAATCCTTTGGCCTTGGCGCTTCTGTTTCATGGAAG-3'
Protein context (NP_002481.3, residues 116-128): KDFLSKFYVG[His126=]DP

ClinVar aggregate classification (germline): Benign/Likely benign. Review status: criteria provided, multiple submitters, no conflicts (2 of 4 stars). 4 submissions from 4 submitters: Benign (1); Likely benign (2). 1 of the submissions does not count toward it. Last evaluated 2025-10-21.

Conditions:
NDUFA6-related disorder. Also called: NDUFA6-related condition.

Allele frequency attached by ClinVar (database versions not stated): ExAC 0.00116; ESP Exome Variant Server 0.00131; 1000 Genomes Project 30x 0.00062; TOPMed 0.00076; 1000 Genomes Project 0.00080; gnomAD 0.00095 and 0.00098; gnomAD exomes 0.00102 and 0.00112.
gnomAD v4.1: 1,775 of 1,614,190 alleles (0.11%); highest among the groups gnomAD compares: South Asian, 0.18%; 5 homozygotes.

Submissions (4):

Labcorp Genetics (formerly Invitae), Labcorp
Classification: Benign. Last evaluated: 2025-10-21. Review status: criteria provided, single submitter. Criteria: Invitae Variant Classification Sherloc (09022015). Collection method: clinical testing. Allele origin: germline.

Blueprint Genetics
Classification: Likely benign. Last evaluated: 2024-11-15. Review status: criteria provided, single submitter. Criteria: ACMG Guidelines, 2015. Collection method: clinical testing. Allele origin: germline.

CeGaT Center for Human Genetics Tuebingen
Classification: Likely benign. Last evaluated: 2024-07-01. Review status: criteria provided, single submitter. Criteria: CeGaT Center For Human Genetics Tuebingen Variant Classification Criteria Version 2. Collection method: clinical testing. Allele origin: germline. Affected: yes. Observed: 9 variant alleles.
Comment: NDUFA6: BP4, BP7, BS2

PreventionGenetics, part of Exact Sciences
Classification: Likely benign for NDUFA6-related condition. Last evaluated: 2019-11-11. Review status: no assertion criteria provided. Collection method: clinical testing. Allele origin: germline. Not counted in ClinVar's aggregate classification.
Comment: This variant is classified as likely benign based on ACMG/AMP sequence variant interpretation guidelines (Richards et al. 2015 PMID: 25741868, with internal and published modifications).